The following is an entry in ClinVar:

ClinVar aggregate classification (germline): Pathogenic/Likely pathogenic. Review status: criteria provided, multiple submitters, no conflicts (2 of 4 stars). 7 submissions from 7 submitters: Pathogenic (5); Likely pathogenic (1). 1 of the submissions does not count toward it. Last evaluated 2026-01-28.

Conditions:
Rare genetic deafness. Identifiers: Orphanet 96210, MedGen C5680250.
Autosomal recessive nonsyndromic hearing loss 4 (DFNB4). Also called: Nonsyndromic enlarged vestibular aqueduct (NSEVA); FOXI1-Related Pendred Syndrome; KCNJ10-Related Pendred Syndrome; Deafness, autosomal recessive 4, with enlarged vestibular aqueduct; DEAFNESS, AUTOSOMAL RECESSIVE 4, WITH ENLARGED VESTIBULAR AQUEDUCT, DIGENIC; NEUROSENSORY NONSYNDROMIC RECESSIVE DEAFNESS 4. Identifiers: Orphanet 90636, MedGen C3538946, MONDO:0010933, OMIM 600791.
Pendred syndrome (PDS). Also called: Pendred's syndrome; DEAFNESS WITH GOITER; GOITER-DEAFNESS SYNDROME; HYPOTHYROIDISM, CONGENITAL, DUE TO DYSHORMONOGENESIS, 2B; Pendred Syndrome (PDS); THYROID DYSHORMONOGENESIS 2B. Identifiers: Orphanet 705, MedGen C0271829, MONDO:0010134, OMIM 274600.

Allele frequency attached by ClinVar (database versions not stated): TOPMed below 0.00001.

Submissions (7):

Natera, Inc.
Classification: Pathogenic for Pendred syndrome. Last evaluated: 2026-01-28. Review status: criteria provided, single submitter. Criteria: Natera Variant Classification Schema (03/2026). Collection method: clinical testing. Allele origin: germline.
Comment: The c.918+1G>T variant in SLC26A4 is a canonical splice donor site variant predicted to affect pre-mRNA splicing, which may result in an abnormal transcript and altered protein product. This variant is expected to result in nonsense mediated decay, truncation, or a dysfunctional protein product. This variant is rare in the general population with a frequency below the threshold expected for the associated phenotype(s). This variant has been observed in one or more individuals affected with the associated recessive disease, as either homozygous or compound heterozygous with a second variant (PMID: 34753855, 38868966). Given the available evidence, this variant is classified as Pathogenic.

Labcorp Genetics (formerly Invitae), Labcorp
Classification: Pathogenic. Last evaluated: 2024-02-02. Review status: criteria provided, single submitter. Criteria: Invitae Variant Classification Sherloc (09022015). Collection method: clinical testing. Allele origin: germline.
Comment: This sequence change affects a donor splice site in intron 7 of the SLC26A4 gene. It is expected to disrupt RNA splicing. Variants that disrupt the donor or acceptor splice site typically lead to a loss of protein function (PMID: 16199547), and loss-of-function variants in SLC26A4 are known to be pathogenic (PMID: 16283880, 25394566, 26252218, 26445815). This variant is not present in population databases (gnomAD no frequency). Disruption of this splice site has been observed in individuals with Pendred syndrome (PMID: 23918157, 27214836). ClinVar contains an entry for this variant (Variation ID: 43571). Algorithms developed to predict the effect of sequence changes on RNA splicing suggest that this variant may disrupt the consensus splice site. For these reasons, this variant has been classified as Pathogenic.

Baylor Genetics
Classification: Pathogenic for Autosomal recessive nonsyndromic hearing loss 4. Last evaluated: 2023-09-17. Review status: criteria provided, single submitter. Criteria: ACMG Guidelines, 2015. Collection method: clinical testing. Allele origin: unknown.

Genome-Nilou Lab
Classification: Pathogenic for Pendred syndrome. Last evaluated: 2021-09-05. Review status: criteria provided, single submitter. Criteria: ACMG Guidelines, 2015. Collection method: clinical testing. Allele origin: germline. Affected: no.

Department of Otolaryngology – Head & Neck Surgery, Cochlear Implant Center
Classification: Pathogenic for Pendred syndrome. Last evaluated: 2021-04-12. Review status: criteria provided, single submitter. Criteria: ClinGen HL ACMG Specifications v1. Collection method: clinical testing. Allele origin: germline. Affected: yes.
Comment: PVS1_Strong, PS1_Strong, PM2_Moderate, PP4_Supporting

Laboratory for Molecular Medicine, Mass General Brigham Personalized Medicine
Classification: Likely pathogenic for Rare genetic deafness. Last evaluated: 2008-03-01. Review status: criteria provided, single submitter. Criteria: LMM Criteria. Collection method: clinical testing. Allele origin: germline. Observed: 3 variant alleles.

Counsyl
Classification: Likely pathogenic for Pendred syndrome. Last evaluated: 2017-06-26. Review status: no assertion criteria provided. Collection method: clinical testing. Allele origin: unknown. Not counted in ClinVar's aggregate classification.

Literature cited by the submitters: PubMed 34753855 (cited by Natera, Inc.); PubMed 38868966 (cited by Natera, Inc.); PubMed 16199547 (cited by Labcorp Genetics (formerly Invitae), Labcorp); PubMed 16283880 (cited by Labcorp Genetics (formerly Invitae), Labcorp); PubMed 25394566 (cited by Labcorp Genetics (formerly Invitae), Labcorp); PubMed 26252218 (cited by Labcorp Genetics (formerly Invitae), Labcorp); PubMed 26445815 (cited by Labcorp Genetics (formerly Invitae), Labcorp); PubMed 23918157 (cited by Labcorp Genetics (formerly Invitae), Labcorp); PubMed 27214836 (cited by Labcorp Genetics (formerly Invitae), Labcorp); PubMed 14508505 (cited by Laboratory for Molecular Medicine, Mass General Brigham Personalized Medicine); PubMed 9618166 (cited by Laboratory for Molecular Medicine, Mass General Brigham Personalized Medicine).

NM_000441.2(SLC26A4):c.918+1G>T

Gene: SLC26A4 (solute carrier family 26 member 4; plus strand). Cytogenetic location: 7q22.3.
Variant type: single nucleotide variant.
Coding change: c.918+1G>T on transcript NM_000441.2 (MANE Select); the canonical splice donor site of the intron after coding-DNA position 918, G replaced by T.
Molecular consequence: splice donor variant.
Genome position (GRCh38, 1-based): chr7:107,683,355, G>T. VCF-style: chr7-107683355-G-T. GRCh37 (hg19) VCF-style: chr7-107323800-G-T.
Identifiers: ClinVar variation 43571 (VCV000043571.18), dbSNP rs111033245, ClinGen allele CA261444.